The following is an entry in ClinVar:

ClinVar aggregate classification (germline): Uncertain significance (1 of 4 stars; one submission).

gnomAD v4.1: 12 of 1,574,978 alleles (0.00076%); highest among the groups gnomAD compares: Non-Finnish European, 0.001%; no homozygotes.

Submission:

CeGaT Center for Human Genetics Tuebingen
Classification: Uncertain significance. Last evaluated: 2025-10-01. Review status: criteria provided, single submitter. Criteria: CeGaT Center For Human Genetics Tuebingen Variant Classification Criteria Version 2. Collection method: clinical testing. Allele origin: germline. Affected: yes. Observed: 1 variant allele.
Comment: SUN5: PM2, BP4

NM_080675.4(SUN5):c.224G>A (p.Cys75Tyr)

Gene: SUN5 (Sad1 and UNC84 domain containing 5; minus strand). Cytogenetic location: 20q11.21.
Variant type: single nucleotide variant.
Coding change: c.224G>A on transcript NM_080675.4 (MANE Select); coding-DNA position 224, G replaced by A.
Protein change: p.Cys75Tyr; replaces cysteine 75 with tyrosine.
Molecular consequence: missense variant.
Genome position (GRCh38, 1-based): chr20:33,001,266, C>T on the plus strand (G>A on the coding strand, the complement: SUN5 is on the minus strand). VCF-style: chr20-33001266-C-T. GRCh37 (hg19) VCF-style: chr20-31589072-C-T.
Other names: short protein forms C75Y.
Identifiers: ClinVar variation 4281051 (VCV004281051.7).